The following is an entry in ClinVar:

NM_000051.4(ATM):c.9027C>G (p.Val3009=)

Genes: C11orf65 (chromosome 11 open reading frame 65; minus strand), ATM (ATM serine/threonine kinase; plus strand). Cytogenetic location: 11q22.3.
Variant type: single nucleotide variant.
Coding change: c.9027C>G on transcript NM_000051.4 (MANE Select); coding-DNA position 9027, C replaced by G.
Protein change: p.Val3009=; no amino-acid change (valine 3009 retained).
Molecular consequence: synonymous variant. On other transcripts: intron variant (2).
Genome position (GRCh38, 1-based): chr11:108,365,364, C>G. VCF-style: chr11-108365364-C-G. GRCh37 (hg19) VCF-style: chr11-108236091-C-G.
Other names: c.9027C>G, p.Val3009= (NM_001351834.2); c.640+20556G>C (NM_001330368.2); c.694+20556G>C (NM_001351110.2).
Identifiers: ClinVar variation 490755 (VCV000490755.19), dbSNP rs1200351979, ClinGen allele CA476745178.

ClinVar aggregate classification (germline): Benign/Likely benign. Review status: criteria provided, multiple submitters, no conflicts (2 of 4 stars). 4 submissions from 4 submitters: Benign (1); Likely benign (3). Last evaluated 2024-07-16.

Conditions:
Hereditary cancer-predisposing syndrome. Also called: Hereditary Cancer Syndrome; Neoplastic Syndromes, Hereditary; Tumor predisposition; Hereditary neoplastic syndrome. Identifiers: Orphanet 140162, MedGen C0027672, MeSH D009386, MONDO:0015356.
Familial cancer of breast. Also called: BREAST CANCER, FAMILIAL; Hereditary breast cancer; hereditary breast carcinoma. Identifiers: Orphanet 227535, MedGen C0346153, MONDO:0016419, OMIM 114480. Disease mechanism: loss of function.
Ataxia-telangiectasia syndrome (AT). Also called: Cerebello-oculocutaneous telangiectasia; Immunodeficiency with ataxia telangiectasia; Ataxia-telangiectasia, complementation group E; Ataxia-telangiectasia, complementation group D; AT, COMPLEMENTATION GROUP C; ATAXIA-TELANGIECTASIA, COMPLEMENTATION GROUP A. Identifiers: Orphanet 100, MedGen C0004135, MONDO:0008840, OMIM 208900.

Allele frequency attached by ClinVar (database versions not stated): gnomAD exomes below 0.00001.
gnomAD v4.1: 2 of 1,614,146 alleles (0.00012%); highest among the groups gnomAD compares: Non-Finnish European, 0.00017%; no homozygotes.

Submissions (4):

Labcorp Genetics (formerly Invitae), Labcorp
Classification: Likely benign for Ataxia-telangiectasia syndrome. Last evaluated: 2024-07-16. Review status: criteria provided, single submitter. Criteria: Invitae Variant Classification Sherloc (09022015). Collection method: clinical testing. Allele origin: germline.

Myriad Genetics, Inc.
Classification: Benign for Familial cancer of breast. Last evaluated: 2024-06-24. Review status: criteria provided, single submitter. Criteria: Myriad Autosomal Dominant, Autosomal Recessive and X-Linked Classification Criteria (2023). Collection method: clinical testing. Allele origin: unknown.
Comment: This variant is considered benign. This variant is a silent/synonymous amino acid change and it is not expected to impact splicing.

Ambry Genetics
Classification: Likely benign for Hereditary cancer-predisposing syndrome. Last evaluated: 2018-02-22. Review status: criteria provided, single submitter. Criteria: Ambry Variant Classification Scheme 2023. Collection method: clinical testing. Allele origin: germline.

Color Diagnostics, LLC DBA Color Health
Classification: Likely benign for Hereditary cancer-predisposing syndrome. Last evaluated: 2017-09-05. Review status: criteria provided, single submitter. Criteria: ACMG Guidelines, 2015. Collection method: clinical testing. Allele origin: germline.